The following is an entry in ClinVar:

NM_001684.5(ATP2B4):c.1660C>T (p.Arg554Cys)

Gene: ATP2B4 (ATPase plasma membrane Ca2+ transporting 4; plus strand). Cytogenetic location: 1q32.1.
Variant type: single nucleotide variant.
Coding change: c.1660C>T on transcript NM_001684.5 (MANE Select); coding-DNA position 1660, C replaced by T.
Protein change: p.Arg554Cys; replaces arginine 554 with cysteine.
Molecular consequence: missense variant.
Genome position (GRCh38, 1-based): chr1:203,709,403, C>T. VCF-style: chr1-203709403-C-T. GRCh37 (hg19) VCF-style: chr1-203678531-C-T.
Other names: c.1660C>T, p.Arg554Cys (NM_001001396.3, NM_001365783.2, NM_001365784.2); short protein forms R554C.
Identifiers: ClinVar variation 2324066 (VCV002324066.5), dbSNP rs369304929, ClinGen allele CA1341663.

ClinVar aggregate classification (germline): Uncertain significance. Review status: criteria provided, multiple submitters, no conflicts (2 of 4 stars). 2 submissions from 2 submitters: Uncertain significance (2). Last evaluated 2023-08-14.

Allele frequency attached by ClinVar (database versions not stated): ExAC 0.00001; gnomAD exomes 0.00002; TOPMed 0.00002; gnomAD 0.00003; ESP Exome Variant Server 0.00008.
gnomAD v4.1: 29 of 1,614,074 alleles (0.0018%); highest among the groups gnomAD compares: East Asian, 0.0045%; no homozygotes.

Submissions (2):

Labcorp Genetics (formerly Invitae), Labcorp
Classification: Uncertain significance. Last evaluated: 2023-08-14. Review status: criteria provided, single submitter. Criteria: Invitae Variant Classification Sherloc (09022015). Collection method: clinical testing. Allele origin: germline.
Comment: This variant is present in population databases (rs369304929, gnomAD 0.005%). In summary, the available evidence is currently insufficient to determine the role of this variant in disease. Therefore, it has been classified as a Variant of Uncertain Significance. Advanced modeling of protein sequence and biophysical properties (such as structural, functional, and spatial information, amino acid conservation, physicochemical variation, residue mobility, and thermodynamic stability) performed at Invitae indicates that this missense variant is expected to disrupt ATP2B4 protein function. ClinVar contains an entry for this variant (Variation ID: 2324066). This variant has not been reported in the literature in individuals affected with ATP2B4-related conditions. This sequence change replaces arginine, which is basic and polar, with cysteine, which is neutral and slightly polar, at codon 554 of the ATP2B4 protein (p.Arg554Cys).

Ambry Genetics
Classification: Uncertain significance. Last evaluated: 2022-11-08. Review status: criteria provided, single submitter. Criteria: Ambry Variant Classification Scheme 2023. Collection method: clinical testing. Allele origin: germline.